The following is an entry in ClinVar:

ClinVar aggregate classification (germline): Uncertain significance. Review status: criteria provided, multiple submitters, no conflicts (2 of 4 stars). 2 submissions from 2 submitters: Uncertain significance (2). Last evaluated 2021-09-01.

Conditions:
Developmental and epileptic encephalopathy 94 (DEE94). Also called: Epileptic encephalopathy, childhood-onset; CHD2-Related Neurodevelopmental Disorders. Identifiers: Orphanet 1942, Orphanet 2382, MedGen C3809278, MONDO:0014150, OMIM 615369.
Inborn genetic diseases. Identifiers: MedGen C0950123, MeSH D030342.

Submissions (2):

Labcorp Genetics (formerly Invitae), Labcorp
Classification: Uncertain significance for Developmental and epileptic encephalopathy 94. Last evaluated: 2021-09-01. Review status: criteria provided, single submitter. Criteria: Invitae Variant Classification Sherloc (09022015). Collection method: clinical testing. Allele origin: germline.

Ambry Genetics
Classification: Uncertain significance for Inborn genetic diseases. Last evaluated: 2017-05-04. Review status: criteria provided, single submitter. Criteria: Ambry Variant Classification Scheme 2023. Collection method: clinical testing. Allele origin: germline.
Comment: The p.H1233Y variant (also known as c.3697C>T), located in coding exon 28 of the CHD2 gene, results from a C to T substitution at nucleotide position 3697. The histidine at codon 1233 is replaced by tyrosine, an amino acid with similar properties. This amino acid position is highly conserved in available vertebrate species. In addition, the in silico prediction for this alteration is inconclusive. Since supporting evidence is limited at this time, the clinical significance of this alteration remains unclear.

NM_001271.4(CHD2):c.3697C>T (p.His1233Tyr)

Gene: CHD2 (chromodomain helicase DNA binding protein 2; plus strand). Cytogenetic location: 15q26.1.
Variant type: single nucleotide variant.
Coding change: c.3697C>T on transcript NM_001271.4 (MANE Select); coding-DNA position 3697, C replaced by T.
Protein change: p.His1233Tyr; replaces histidine 1233 with tyrosine.
Molecular consequence: missense variant.
Genome position (GRCh38, 1-based): chr15:92,997,058, C>T. VCF-style: chr15-92997058-C-T. GRCh37 (hg19) VCF-style: chr15-93540288-C-T.
Other names: short protein forms H1233Y.
Identifiers: ClinVar variation 944630 (VCV000944630.7), dbSNP rs2054197453, ClinGen allele CA393897990.
Genomic context (GRCh38, chr15:92,997,058, plus strand): 5'-TCCGGAGTTCAGGTTAATGTGAAATCCATTATCCAACATGAAGAGGAGTTTGAGATGCTG[C>T]ATAAATCTATCCCTGTGGACCCTGAAGAAAAAAAAAAGTGAGTATATTTTGTGTACATGC-3'
Protein context (NP_001262.3, residues 1223-1243): IQHEEEFEML[His1233Tyr]KSIPVDPEEK